The following is an entry in ClinVar:

NM_001429.4(EP300):c.2064A>G (p.Leu688=)

Gene: EP300 (EP300 lysine acetyltransferase; plus strand). Cytogenetic location: 22q13.2.
Variant type: single nucleotide variant.
Coding change: c.2064A>G on transcript NM_001429.4 (MANE Select); coding-DNA position 2064, A replaced by G.
Protein change: p.Leu688=; no amino-acid change (leucine 688 retained).
Molecular consequence: synonymous variant. On other transcripts: intron variant (1).
Genome position (GRCh38, 1-based): chr22:41,146,749, A>G. VCF-style: chr22-41146749-A-G. GRCh37 (hg19) VCF-style: chr22-41542753-A-G.
Other names: c.2054-1088A>G (NM_001362843.2).
Identifiers: ClinVar variation 193844 (VCV000193844.52), dbSNP rs61756763, ClinGen allele CA239519.

ClinVar aggregate classification (germline): Benign/Likely benign. Review status: criteria provided, multiple submitters, no conflicts (2 of 4 stars). 8 submissions from 8 submitters: Benign (3); Likely benign (4). 1 of the submissions does not count toward it. Last evaluated 2026-09-01.

Conditions:
EP300-related disorder. Also called: EP300-related condition; EP300-related disorders.
Rubinstein-Taybi syndrome due to EP300 haploinsufficiency. Also called: EP300-Related Rubinstein-Taybi Syndrome; RUBINSTEIN-TAYBI SYNDROME 2. Identifiers: Orphanet 353284, Orphanet 783, MedGen C3150941, MONDO:0013364, OMIM 613684.

Allele frequency attached by ClinVar (database versions not stated): 1000 Genomes Project 0.00140; 1000 Genomes Project 30x 0.00156; gnomAD 0.00276 and 0.00282; TOPMed 0.00300; ESP Exome Variant Server 0.00346.
gnomAD v4.1: 5,780 of 1,614,102 alleles (0.36%); highest among the groups gnomAD compares: Middle Eastern, 1.1%; 15 homozygotes.

Submissions (8):

CeGaT Center for Human Genetics Tuebingen
Classification: Likely benign. Last evaluated: 2026-09-01. Review status: criteria provided, single submitter. Criteria: CeGaT Center For Human Genetics Tuebingen Variant Classification Criteria Version 2. Collection method: clinical testing. Allele origin: germline. Affected: yes. Observed: 54 variant alleles.
Comment: EP300: BP4, BP7, BS1

Labcorp Genetics (formerly Invitae), Labcorp
Classification: Benign for Rubinstein-Taybi syndrome due to EP300 haploinsufficiency. Last evaluated: 2026-02-02. Review status: criteria provided, single submitter. Criteria: Invitae Variant Classification Sherloc (09022015). Collection method: clinical testing. Allele origin: germline.

Blueprint Genetics
Classification: Likely benign. Last evaluated: 2024-11-27. Review status: criteria provided, single submitter. Criteria: ACMG Guidelines, 2015. Collection method: clinical testing. Allele origin: germline.

GeneDx
Classification: Benign. Last evaluated: 2019-01-14. Review status: criteria provided, single submitter. Criteria: GeneDx Variant Classification Process June 2021. Collection method: clinical testing. Allele origin: germline. Affected: yes.

Eurofins Ntd Llc (ga)
Classification: Benign. Last evaluated: 2016-05-14. Review status: criteria provided, single submitter. Criteria: EGL Classification Definitions 2015. Collection method: clinical testing. Allele origin: germline. Observed: 3 variant alleles, 2 heterozygotes.

Genetic Services Laboratory, University of Chicago
Classification: Likely benign. Last evaluated: 2016-04-19. Review status: criteria provided, single submitter. Criteria: ACMG Guidelines, 2015. Collection method: clinical testing. Allele origin: germline. Affected: no.

Breakthrough Genomics
Classification: Likely benign. Review status: criteria provided, single submitter. Criteria: ACMG Guidelines, 2015. Collection method: not provided. Allele origin: germline. Inheritance: Autosomal dominant inheritance. Affected: yes.

PreventionGenetics, part of Exact Sciences
Classification: Benign for EP300-related condition. Last evaluated: 2019-04-29. Review status: no assertion criteria provided. Collection method: clinical testing. Allele origin: germline. Not counted in ClinVar's aggregate classification.
Comment: This variant is classified as benign based on ACMG/AMP sequence variant interpretation guidelines (Richards et al. 2015 PMID: 25741868, with internal and published modifications).